The following is an entry in ClinVar:

ClinVar aggregate classification (germline): Benign. Review status: criteria provided, multiple submitters, no conflicts (2 of 4 stars). 2 submissions from 2 submitters: Benign (2). Last evaluated 2018-01-13.

Conditions:
Heterotaxy, visceral, 4, autosomal (HTX4). Identifiers: Orphanet 450, MedGen C3151057, MONDO:0013403, OMIM 613751.

Allele frequency attached by ClinVar (database versions not stated): 1000 Genomes Project 30x 0.44082; 1000 Genomes Project 0.44728; TOPMed 0.47040; gnomAD exomes 0.54271.
gnomAD v4.1: 74,432 of 152,442 alleles (49%); highest among the groups gnomAD compares: Non-Finnish European, 62%; 20,317 homozygotes.

Submissions (2):

Illumina Laboratory Services, Illumina
Classification: Benign for Heterotaxy, visceral, 4, autosomal. Last evaluated: 2018-01-13. Review status: criteria provided, single submitter. Criteria: ICSL Variant Classification Criteria 13 December 2019. Collection method: clinical testing. Allele origin: germline.
Comment: This variant was observed in the ICSL laboratory as part of a predisposition screen in an ostensibly healthy population. It had not been previously curated by ICSL or reported in the Human Gene Mutation Database (HGMD: prior to June 1st, 2018), and was therefore a candidate for classification through an automated scoring system. Utilizing variant allele frequency, disease prevalence and penetrance estimates, and inheritance mode, an automated score was calculated to assess if this variant is too frequent to cause the disease. Based on the score and internal cut-off values, a variant classified as benign is not then subjected to further curation. The score for this variant resulted in a classification of benign for this disease.

Breakthrough Genomics
Classification: Benign. Review status: criteria provided, single submitter. Criteria: ACMG Guidelines, 2015. Collection method: not provided. Allele origin: germline. Inheritance: Unknown mechanism. Affected: yes.

NM_001106.4(ACVR2B):c.*6388T>G

Gene: ACVR2B (activin A receptor type 2B; plus strand). Cytogenetic location: 3p22.2.
Variant type: single nucleotide variant.
Coding change: c.*6388T>G on transcript NM_001106.4 (MANE Select); 6388 bases downstream of the stop codon, T replaced by G.
Molecular consequence: 3 prime UTR variant.
Genome position (GRCh38, 1-based): chr3:38,489,720, T>G. VCF-style: chr3-38489720-T-G. GRCh37 (hg19) VCF-style: chr3-38531211-T-G.
Identifiers: ClinVar variation 345010 (VCV000345010.6), dbSNP rs7374458, ClinGen allele CA10618310.